The following is an entry in ClinVar:

ClinVar aggregate classification (germline): Pathogenic (1 of 4 stars; one submission).

Conditions:
Neurofibromatosis, type 1 (NF1). Also called: VON RECKLINGHAUSEN DISEASE; Peripheral type neurofibromatosis; NEUROFIBROMATOSIS, TYPE I, SOMATIC; Neurofibromatosis, type I. Identifiers: Orphanet 636, MedGen C0027831, MONDO:0018975, OMIM 162200. Disease mechanism: loss of function.

Submission:

Labcorp Genetics (formerly Invitae), Labcorp
Classification: Pathogenic for Neurofibromatosis, type 1. Last evaluated: 2025-02-19. Review status: criteria provided, single submitter. Criteria: Invitae Variant Classification Sherloc (09022015). Collection method: clinical testing. Allele origin: germline.
Comment: This sequence change creates a premature translational stop signal (p.Gln1378Serfs*25) in the NF1 gene. It is expected to result in an absent or disrupted protein product. Loss-of-function variants in NF1 are known to be pathogenic (PMID: 10712197, 23913538). This variant is not present in population databases (gnomAD no frequency). This variant has not been reported in the literature in individuals affected with NF1-related conditions. ClinVar contains an entry for this variant (Variation ID: 1074069). For these reasons, this variant has been classified as Pathogenic.

Literature cited by the submitters: PubMed 10712197; PubMed 23913538.

NM_001042492.3(NF1):c.4190dup (p.Gln1399fs)

Gene: NF1 (neurofibromin 1; plus strand). Cytogenetic location: 17q11.2.
Variant type: Duplication.
Coding change: c.4190dup on transcript NM_001042492.3 (MANE Select); coding-DNA position 4190, one base duplicated (T; older notation c.4190dupT).
Protein change: p.Gln1399fs; shifts the reading frame from glutamine 1399.
Molecular consequence: frameshift variant.
Genome position (GRCh38, 1-based): chr17:31,258,360, T duplicated; the last of 3 consecutive T bases (chr17:31,258,358-31,258,360); duplicating any one gives the same sequence. VCF-style (leftmost placement, unchanged base first): chr17-31258357-G-GT. GRCh37 (hg19) VCF-style: chr17-29585375-G-GT.
Other names: c.4127dup, p.Gln1378Serfs (NM_000267.4); short protein forms Q1378fs, Q1399fs.
Identifiers: ClinVar variation 1074069 (VCV001074069.5), dbSNP rs2151461802, ClinGen allele CA2499224124.